The following is an entry in ClinVar:

NM_001365902.3(NFIX):c.429A>G (p.Glu143=)

Gene: NFIX (nuclear factor I X; plus strand). Cytogenetic location: 19p13.13.
Variant type: single nucleotide variant.
Coding change: c.429A>G on transcript NM_001365902.3 (MANE Select); coding-DNA position 429, A replaced by G.
Protein change: p.Glu143=; no amino-acid change (glutamic acid 143 retained).
Molecular consequence: synonymous variant.
Genome position (GRCh38, 1-based): chr19:13,025,422, A>G. VCF-style: chr19-13025422-A-G. GRCh37 (hg19) VCF-style: chr19-13136236-A-G.
Other names: c.453A>G, p.Glu151= (NM_001271043.2); c.405A>G, p.Glu135= (NM_001271044.3, NM_001378404.1, NM_001440616.1 and 1 more transcripts); c.429A>G, p.Glu143= (NM_001365982.2, NM_002501.4); c.288A>G, p.Glu96= (NM_001365983.2); c.426A>G, p.Glu142= (NM_001365984.2, NM_001365985.2); c.477A>G, p.Glu159= (NM_001378405.1).
Identifiers: ClinVar variation 5040201 (VCV005040201.1).
Genomic context (GRCh38, chr19:13,025,422, plus strand): 5'-TGACAAGGTGTGGCGGCTGGACCTGGTCATGGTGATTTTGTTTAAGGGGATCCCCCTGGA[A>G]AGTACTGATGGGGAGCGGCTCTACAAGTCGCCTCAGTGCTCGAACCCCGGCCTGTGCGTC-3'
Protein context (NP_001352831.1, residues 133-153): MVILFKGIPL[Glu143=]STDGERLYKS

ClinVar aggregate classification (germline): Likely benign (1 of 4 stars; one submission).

gnomAD v4.1: 1 of 1,614,010 alleles (0.000062%); highest among the groups gnomAD compares: Non-Finnish European, 0.000085%; no homozygotes.

Submission:

CeGaT Center for Human Genetics Tuebingen
Classification: Likely benign. Last evaluated: 2026-07-01. Review status: criteria provided, single submitter. Criteria: CeGaT Center For Human Genetics Tuebingen Variant Classification Criteria Version 2. Collection method: clinical testing. Allele origin: germline. Affected: yes. Observed: 1 variant allele.
Comment: NFIX: BP4